The following is an entry in ClinVar:

ClinVar aggregate classification (germline): Likely benign (1 of 4 stars; one submission).

Conditions:
ERCC6-related disorder. Also called: ERCC6-related condition; ERCC6-related disorders. Identifiers: MedGen CN239385.

gnomAD v4.1: 10 of 1,614,086 alleles (0.00062%); highest among the groups gnomAD compares: East Asian, 0.0067%; no homozygotes.

Submission:

PreventionGenetics, part of Exact Sciences
Classification: Likely benign for ERCC6-related condition. Last evaluated: 2025-05-13. Review status: criteria provided, single submitter. Criteria: ACMG Guidelines, 2015. Collection method: clinical testing. Allele origin: germline.
Comment: This variant is classified as likely benign based on ACMG/AMP sequence variant interpretation guidelines (Richards et al. 2015 PMID: 25741868, with internal and published modifications).

NM_001277058.2(ERCC6):c.3072C>A (p.Val1024=)

Genes: ERCC6 (ERCC excision repair 6, chromatin remodeling factor; minus strand), PGBD3 (piggyBac transposable element derived 3; minus strand). Cytogenetic location: 10q11.23.
Variant type: single nucleotide variant.
Coding change: c.3072C>A on transcript NM_001277058.2 (MANE Plus Clinical); coding-DNA position 3072, C replaced by A.
Protein change: p.Val1024=; no amino-acid change (valine 1024 retained).
Molecular consequence: synonymous variant. On other transcripts: intron variant (2).
Genome position (GRCh38, 1-based): chr10:49,515,447, G>T on the plus strand (C>A on the coding strand, the complement: ERCC6 is on the minus strand). VCF-style: chr10-49515447-G-T. GRCh37 (hg19) VCF-style: chr10-50723493-G-T.
Other names: c.3072C>A, p.Val1024= (NM_001277059.2); c.1668C>A, p.Val556= (NM_170753.3); c.1397+8586C>A (NM_001346440.2, NM_000124.4).
Identifiers: ClinVar variation 4980678 (VCV004980678.1).